The following is an entry in ClinVar:

NM_003172.4(SURF1):c.795_804dup (p.Asn269fs)

Gene: SURF1 (SURF1 cytochrome c oxidase assembly factor; minus strand). Cytogenetic location: 9q34.2.
Variant type: Duplication.
Coding change: c.795_804dup on transcript NM_003172.4 (MANE Select); coding-DNA positions 795 to 804, 10 bases duplicated (TACTCTGAGG; older notation c.795_804dupTACTCTGAGG).
Protein change: p.Asn269fs; shifts the reading frame from asparagine 269.
Molecular consequence: frameshift variant.
Genome position (GRCh38, 1-based): chr9:133,352,090-133,352,099, CCTCAGAGTA duplicated on the plus strand (TACTCTGAGG on the coding strand, the reverse complement: SURF1 is on the minus strand). VCF-style (leftmost placement, unchanged base first): chr9-133352089-T-TCCTCAGAGTA. GRCh37 (hg19) VCF-style: chr9-136218944-T-TCCTCAGAGTA.
Other names: c.468_477dup, p.Asn160fs (NM_001280787.1); short protein forms N160fs, N269fs.
Identifiers: ClinVar variation 2834164 (VCV002834164.3), dbSNP rs2490613671, ClinGen allele CA2739265138.
Genomic context (GRCh38, chr9:133,352,089, plus strand): 5'-GGGAGGAAGCCAGAGGGCCGCTGGGGACTCACCAGGTCACGATGTACTGCAGATGCTCGT[T>TCCTCAGAGTA]CCTCAGAGTAACTCTGGTTTGCCCTCCAATGGGTCCTCCAGGGACTGTGCTCTCTGTGGA-3'

ClinVar aggregate classification (germline): Pathogenic (1 of 4 stars; one submission).

Conditions:
Leigh syndrome (NULS). Also called: Leigh's necrotizing encephalopathy; Leigh's disease; Leigh Disease; Subacute necrotizing encephalopathy; Necrotizing encephalopathy infantile subacute of Leigh; Leigh's syndrome. Identifiers: Orphanet 506, MedGen C2931891, MONDO:0009723, OMIM 256000.

Submission:

Labcorp Genetics (formerly Invitae), Labcorp
Classification: Pathogenic for Leigh syndrome. Last evaluated: 2023-02-03. Review status: criteria provided, single submitter. Criteria: Invitae Variant Classification Sherloc (09022015). Collection method: clinical testing. Allele origin: germline.
Comment: For these reasons, this variant has been classified as Pathogenic. This variant disrupts a region of the SURF1 protein in which other variant(s) (p.Ser282Cysfs*9) have been determined to be pathogenic (PMID: 9837813, 16326995, 18583168, 22488715, 23829769). This suggests that this is a clinically significant region of the protein, and that variants that disrupt it are likely to be disease-causing. This sequence change creates a premature translational stop signal (p.Asn269Tyrfs*26) in the SURF1 gene. While this is not anticipated to result in nonsense mediated decay, it is expected to disrupt the last 32 amino acid(s) of the SURF1 protein. This variant is not present in population databases (gnomAD no frequency). This variant has not been reported in the literature in individuals affected with SURF1-related conditions.

Literature cited by the submitters: PubMed 9837813; PubMed 16326995; PubMed 18583168; PubMed 22488715; PubMed 23829769.